The following is an entry in ClinVar:

NM_014874.4(MFN2):c.53A>G (p.Lys18Arg)

Gene: MFN2 (mitofusin 2; plus strand). Cytogenetic location: 1p36.22.
Variant type: single nucleotide variant.
Coding change: c.53A>G on transcript NM_014874.4 (MANE Select); coding-DNA position 53, A replaced by G.
Protein change: p.Lys18Arg; replaces lysine 18 with arginine.
Molecular consequence: missense variant.
Genome position (GRCh38, 1-based): chr1:11,989,221, A>G. VCF-style: chr1-11989221-A-G. GRCh37 (hg19) VCF-style: chr1-12049278-A-G.
Other names: c.53A>G, p.Lys18Arg (NM_001127660.2); short protein forms K18R.
Identifiers: ClinVar variation 3633512 (VCV003633512.2).
Genomic context (GRCh38, chr1:11,989,221, plus strand): 5'-GCAGCGCAATGTCCCTGCTCTTCTCTCGATGCAACTCTATCGTCACAGTCAAGAAAAATA[A>G]GAGACACATGGCTGAGGTGAATGCATCCCCACTTAAGCACTTTGTCACTGCCAAGAAGAA-3'
Protein context (NP_055689.1, residues 8-28): CNSIVTVKKN[Lys18Arg]RHMAEVNASP

ClinVar aggregate classification (germline): Uncertain significance (1 of 4 stars; one submission).

Conditions:
Charcot-Marie-Tooth disease type 2. Also called: Charcot-Marie-Tooth type 2. Identifiers: Orphanet 64746, MedGen C0270914, MONDO:0018993.

gnomAD v4.1: 7 of 1,614,152 alleles (0.00043%); highest among the groups gnomAD compares: Non-Finnish European, 0.00059%; no homozygotes.

Submission:

Labcorp Genetics (formerly Invitae), Labcorp
Classification: Uncertain significance for Charcot-Marie-Tooth disease type 2. Last evaluated: 2024-03-15. Review status: criteria provided, single submitter. Criteria: Invitae Variant Classification Sherloc (09022015). Collection method: clinical testing. Allele origin: germline.
Comment: This sequence change replaces lysine, which is basic and polar, with arginine, which is basic and polar, at codon 18 of the MFN2 protein (p.Lys18Arg). This variant is not present in population databases (gnomAD no frequency). This variant has not been reported in the literature in individuals affected with MFN2-related conditions. Advanced modeling of protein sequence and biophysical properties (such as structural, functional, and spatial information, amino acid conservation, physicochemical variation, residue mobility, and thermodynamic stability) performed at Invitae indicates that this missense variant is expected to disrupt MFN2 protein function with a positive predictive value of 95%. In summary, the available evidence is currently insufficient to determine the role of this variant in disease. Therefore, it has been classified as a Variant of Uncertain Significance.